The following is an entry in ClinVar:

NM_001378156.1(C1QB):c.217G>A (p.Gly73Arg)

Gene: C1QB (complement C1q B chain; plus strand). Cytogenetic location: 1p36.12.
Variant type: single nucleotide variant.
Coding change: c.217G>A on transcript NM_001378156.1 (MANE Select); coding-DNA position 217, G replaced by A.
Protein change: p.Gly73Arg; replaces glycine 73 with arginine.
Molecular consequence: missense variant.
Genome position (GRCh38, 1-based): chr1:22,660,847, G>A. VCF-style: chr1-22660847-G-A. GRCh37 (hg19) VCF-style: chr1-22987340-G-A.
Other names: p.Gly75Arg; c.223G>A (NM_000491.4); c.223G>A, p.Gly75Arg (NM_000491.5); c.217G>A, p.Gly73Arg (NM_001371184.3); short protein forms G75R, G73R.
Identifiers: ClinVar variation 626067 (VCV000626067.18), dbSNP rs35477594, ClinGen allele CA678122.
Genomic context (GRCh38, chr1:22,660,847, plus strand): 5'-ACTTCTTTGGTCTCTGCTTTTCCAGGGCTTCCAGGGCTGGCTGGAGACCATGGTGAGTTC[G>A]GAGAGAAGGGAGACCCAGGGATTCCTGGGAATCCAGGAAAAGTCGGCCCCAAGGGCCCCA-3'
Protein context (NP_001365085.1, residues 63-83): PGLAGDHGEF[Gly73Arg]EKGDPGIPGN

ClinVar aggregate classification (germline): Conflicting classifications of pathogenicity. Review status: criteria provided, conflicting classifications (1 of 4 stars). 9 submissions from 9 submitters: Uncertain significance (6); Likely benign (1). 2 of the submissions do not count toward it. Last evaluated 2025-12-08.

Conditions:
C1Q deficiency. Identifiers: MedGen C3150902, MONDO:0013343.
C1Q deficiency 2. Identifiers: MedGen C5830422, MONDO:0958187, OMIM 620321.

Allele frequency attached by ClinVar (database versions not stated): ESP Exome Variant Server 0.00046; ExAC 0.00050; gnomAD 0.00050 and 0.00054; gnomAD exomes 0.00056; 1000 Genomes Project 0.00060; 1000 Genomes Project 30x 0.00062; TOPMed 0.00075.
gnomAD v4.1: 1,250 of 1,613,896 alleles (0.077%); highest among the groups gnomAD compares: Non-Finnish European, 0.095%; 2 homozygotes.

Submissions (9):

Mayo Clinic Laboratories, Mayo Clinic
Classification: Uncertain significance. Last evaluated: 2025-12-08. Review status: criteria provided, single submitter. Criteria: ACMG Guidelines, 2015. Collection method: clinical testing. Allele origin: germline. Observed: 2 variant alleles.
Comment: PP3_moderate

CeGaT Center for Human Genetics Tuebingen
Classification: Uncertain significance. Last evaluated: 2025-11-01. Review status: criteria provided, single submitter. Criteria: CeGaT Center For Human Genetics Tuebingen Variant Classification Criteria Version 2. Collection method: clinical testing. Allele origin: germline. Affected: yes. Observed: 1 variant allele.
Comment: C1QB: PP3

Blueprint Genetics
Classification: Uncertain significance. Last evaluated: 2024-10-28. Review status: criteria provided, single submitter. Criteria: ACMG Guidelines, 2015. Collection method: clinical testing. Allele origin: germline.

Fulgent Genetics
Classification: Likely benign for C1Q deficiency 2. Last evaluated: 2024-03-13. Review status: criteria provided, single submitter. Criteria: ACMG Guidelines, 2015. Collection method: clinical testing. Allele origin: germline.

Labcorp Genetics (formerly Invitae), Labcorp
Classification: Uncertain significance. Last evaluated: 2022-08-21. Review status: criteria provided, single submitter. Criteria: Invitae Variant Classification Sherloc (09022015). Collection method: clinical testing. Allele origin: germline.
Comment: This sequence change replaces glycine, which is neutral and non-polar, with arginine, which is basic and polar, at codon 75 of the C1QB protein (p.Gly75Arg). This variant is present in population databases (rs35477594, gnomAD 0.08%), and has an allele count higher than expected for a pathogenic variant. This variant has not been reported in the literature in individuals affected with C1QB-related conditions. ClinVar contains an entry for this variant (Variation ID: 626067). Algorithms developed to predict the effect of missense changes on protein structure and function are either unavailable or do not agree on the potential impact of this missense change (SIFT: "Deleterious"; PolyPhen-2: "Probably Damaging"; Align-GVGD: "Class C0"). In summary, the available evidence is currently insufficient to determine the role of this variant in disease. Therefore, it has been classified as a Variant of Uncertain Significance.

Center for Genomics, Ann and Robert H. Lurie Children's Hospital of Chicago
Classification: Uncertain significance for C1Q deficiency 1. Last evaluated: 2021-03-30. Review status: criteria provided, single submitter. Criteria: ACMG Guidelines, 2015. Collection method: clinical testing. Allele origin: germline.
Comment: C1QB NM_000491.4 exon 3 p.Gly75Arg (c.223G>A): This variant has been reported in the literature in at least 1 individual with very early onset inflammatory bowel disease (VEO-IBD) (Kelsen 2015 PMID:26193622). This variant is present in 0.8% (111/127298) of European alleles, including 1 homozygote, in the Genome Aggregation Database. Evolutionary conservation and computational predictive tools suggest that this variant may impact the protein. In summary, data on this variant is insufficient for disease classification. Therefore, the clinical significance of this variant is uncertain.

Breakthrough Genomics
Classification: Uncertain significance. Review status: criteria provided, single submitter. Criteria: ACMG Guidelines, 2015. Collection method: not provided. Allele origin: germline. Inheritance: Autosomal recessive inheritance. Affected: yes.

Clinical Genetics DNA and cytogenetics Diagnostics Lab, Erasmus MC, Erasmus Medical Center
Classification: Uncertain significance. Review status: no assertion criteria provided. Collection method: clinical testing. Allele origin: germline. Affected: yes. Study: VKGL Data-share Consensus. Not counted in ClinVar's aggregate classification.

Diagnostic Laboratory, Department of Genetics, University Medical Center Groningen
Classification: Uncertain significance. Review status: no assertion criteria provided. Collection method: clinical testing. Allele origin: germline. Affected: yes. Study: VKGL Data-share Consensus. Not counted in ClinVar's aggregate classification.

Literature cited by the submitters: PubMed 26193622 (cited by Mayo Clinic Laboratories, Mayo Clinic).